The following is an entry in ClinVar:

ClinVar aggregate classification (germline): Likely benign (1 of 4 stars; one submission).

Submission:

CeGaT Center for Human Genetics Tuebingen
Classification: Likely benign. Last evaluated: 2026-04-01. Review status: criteria provided, single submitter. Criteria: CeGaT Center For Human Genetics Tuebingen Variant Classification Criteria Version 2. Collection method: clinical testing. Allele origin: germline. Affected: yes. Observed: 1 variant allele.
Comment: AHNAK2: BP4

NM_138420.4(AHNAK2):c.4199C>A (p.Pro1400His)

Gene: AHNAK2 (AHNAK nucleoprotein 2; minus strand). Cytogenetic location: 14q32.33.
Variant type: single nucleotide variant.
Coding change: c.4199C>A on transcript NM_138420.4 (MANE Select); coding-DNA position 4199, C replaced by A.
Protein change: p.Pro1400His; replaces proline 1400 with histidine.
Molecular consequence: missense variant.
Genome position (GRCh38, 1-based): chr14:104,951,252, G>T on the plus strand (C>A on the coding strand, the complement: AHNAK2 is on the minus strand). VCF-style: chr14-104951252-G-T. GRCh37 (hg19) VCF-style: chr14-105417589-G-T.
Other names: c.3899C>A, p.Pro1300His (NM_001350929.2); short protein forms P1300H, P1400H.
Identifiers: ClinVar variation 4872963 (VCV004872963.2).